The following is an entry in ClinVar:

ClinVar aggregate classification (germline): Uncertain significance (1 of 4 stars; one submission).

Conditions:
Epileptic encephalopathy. Identifiers: MedGen C0543888, HP:0200134.

Submission:

Labcorp Genetics (formerly Invitae), Labcorp
Classification: Uncertain significance for Epileptic encephalopathy. Last evaluated: 2023-10-06. Review status: criteria provided, single submitter. Criteria: Invitae Variant Classification Sherloc (09022015). Collection method: clinical testing. Allele origin: germline.
Comment: This sequence change replaces alanine, which is neutral and non-polar, with serine, which is neutral and polar, at codon 39 of the GABBR2 protein (p.Ala39Ser). This variant is not present in population databases (gnomAD no frequency). This variant has not been reported in the literature in individuals affected with GABBR2-related conditions. Experimental studies and prediction algorithms are not available or were not evaluated, and the functional significance of this variant is currently unknown. In summary, the available evidence is currently insufficient to determine the role of this variant in disease. Therefore, it has been classified as a Variant of Uncertain Significance.

NM_005458.8(GABBR2):c.115G>T (p.Ala39Ser)

Gene: GABBR2 (gamma-aminobutyric acid type B receptor subunit 2; minus strand). Cytogenetic location: 9q22.33.
Variant type: single nucleotide variant.
Coding change: c.115G>T on transcript NM_005458.8 (MANE Select); coding-DNA position 115, G replaced by T.
Protein change: p.Ala39Ser; replaces alanine 39 with serine.
Molecular consequence: missense variant.
Genome position (GRCh38, 1-based): chr9:98,708,623, C>A on the plus strand (G>T on the coding strand, the complement: GABBR2 is on the minus strand). VCF-style: chr9-98708623-C-A. GRCh37 (hg19) VCF-style: chr9-101470905-C-A.
Other names: short protein forms A39S.
Identifiers: ClinVar variation 2766378 (VCV002766378.3), dbSNP rs1459920141, ClinGen allele CA374212818.